The following is an entry in ClinVar:

NM_001040142.2(SCN2A):c.2273A>G (p.Asp758Gly)

Gene: SCN2A (sodium voltage-gated channel alpha subunit 2; plus strand). Cytogenetic location: 2q24.3.
Variant type: single nucleotide variant.
Coding change: c.2273A>G on transcript NM_001040142.2 (MANE Select); coding-DNA position 2273, A replaced by G.
Protein change: p.Asp758Gly; replaces aspartic acid 758 with glycine.
Molecular consequence: missense variant.
Genome position (GRCh38, 1-based): chr2:165,331,453, A>G. VCF-style: chr2-165331453-A-G. GRCh37 (hg19) VCF-style: chr2-166187963-A-G.
Other names: c.2273A>G, p.Asp758Gly (NM_001040143.2, NM_001371246.1, NM_001371247.1 and 1 more transcripts); short protein forms D758G.
Identifiers: ClinVar variation 956130 (VCV000956130.10), dbSNP rs1698669001, ClinGen allele CA349031085.
Genomic context (GRCh38, chr2:165,331,453, plus strand): 5'-TTTGGGACTGTTGTAAACCATGGTTAAAGGTGAAACACCTTGTCAACCTGGTTGTAATGG[A>G]CCCATTTGTTGACCTGGCCATCACCATCTGCATTGTCTTAAATACACTCTTCATGGCTAT-3'
Protein context (NP_001035232.1, residues 748-768): VKHLVNLVVM[Asp758Gly]PFVDLAITIC

ClinVar aggregate classification (germline): Uncertain significance (1 of 4 stars; one submission).

Conditions:
Seizures, benign familial infantile, 3 (BFIS3). Also called: Familial neonatal seizures; CONVULSIONS, BENIGN FAMILIAL INFANTILE, 3. Identifiers: Orphanet 140927, Orphanet 306, MedGen C1843140, MONDO:0011904, OMIM 607745.
Developmental and epileptic encephalopathy, 11 (DEE11). Also called: Early infantile epileptic encephalopathy 11. Identifiers: Orphanet 1934, MedGen C3150987, MONDO:0013388, OMIM 613721.

Submission:

Labcorp Genetics (formerly Invitae), Labcorp
Classification: Uncertain significance for Seizures, benign familial infantile, 3; Developmental and epileptic encephalopathy, 11. Last evaluated: 2020-06-05. Review status: criteria provided, single submitter. Criteria: Invitae Variant Classification Sherloc (09022015). Collection method: clinical testing. Allele origin: germline.
Comment: In summary, the available evidence is currently insufficient to determine the role of this variant in disease. Therefore, it has been classified as a Variant of Uncertain Significance. Algorithms developed to predict the effect of missense changes on protein structure and function are either unavailable or do not agree on the potential impact of this missense change (SIFT: "Deleterious"; PolyPhen-2: "Probably Damaging"; Align-GVGD: "Class C0"). This sequence change replaces aspartic acid with glycine at codon 758 of the SCN2A protein (p.Asp758Gly). The aspartic acid residue is highly conserved and there is a moderate physicochemical difference between aspartic acid and glycine. This variant is not present in population databases (ExAC no frequency). This variant has not been reported in the literature in individuals with SCN2A-related conditions.